The following is an entry in ClinVar:

NM_000090.4(COL3A1):c.3417+6T>C

Gene: COL3A1 (collagen type III alpha 1 chain; plus strand). Cytogenetic location: 2q32.2.
Variant type: single nucleotide variant.
Coding change: c.3417+6T>C on transcript NM_000090.4 (MANE Select); 6 bases into the intron after coding-DNA position 3417, T replaced by C.
Molecular consequence: intron variant.
Genome position (GRCh38, 1-based): chr2:189,007,944, T>C. VCF-style: chr2-189007944-T-C. GRCh37 (hg19) VCF-style: chr2-189872670-T-C.
Identifiers: ClinVar variation 1516970 (VCV001516970.7), dbSNP rs1201578152, ClinGen allele CA538484836.

ClinVar aggregate classification (germline): Uncertain significance. Review status: criteria provided, multiple submitters, no conflicts (2 of 4 stars). 2 submissions from 2 submitters: Uncertain significance (2). Last evaluated 2024-09-06.

Conditions:
Ehlers-Danlos syndrome, type 4 (EDSVASC). Also called: Ehlers-Danlos syndrome vascular type; Ehlers Danlos syndrome, ecchymotic type; Ehlers Danlos syndrome, arterial type; Ehlers Danlos syndrome, Sack-Barabas type; Ehlers-Danlos Syndrome Type IV. Identifiers: Orphanet 286, MedGen C0268338, MONDO:0017314, OMIM 130050.

Allele frequency attached by ClinVar (database versions not stated): gnomAD exomes below 0.00001 and 0.00001.
gnomAD v4.1: 3 of 1,614,092 alleles (0.00019%); highest among the groups gnomAD compares: South Asian, 0.0022%; no homozygotes.

Submissions (2):

Labcorp Genetics (formerly Invitae), Labcorp
Classification: Uncertain significance for Ehlers-Danlos syndrome, type 4. Last evaluated: 2024-09-06. Review status: criteria provided, single submitter. Criteria: Invitae Variant Classification Sherloc (09022015). Collection method: clinical testing. Allele origin: germline.
Comment: This sequence change falls in intron 46 of the COL3A1 gene. It does not directly change the encoded amino acid sequence of the COL3A1 protein. It affects a nucleotide within the consensus splice site. This variant is present in population databases (no rsID available, gnomAD 0.006%). This variant has not been reported in the literature in individuals affected with COL3A1-related conditions. ClinVar contains an entry for this variant (Variation ID: 1516970). Variants that disrupt the consensus splice site are a relatively common cause of aberrant splicing (PMID: 17576681, 9536098). Algorithms developed to predict the effect of sequence changes on RNA splicing suggest that this variant may disrupt the consensus splice site. In summary, the available evidence is currently insufficient to determine the role of this variant in disease. Therefore, it has been classified as a Variant of Uncertain Significance.

All of Us Research Program, National Institutes of Health
Classification: Uncertain significance for Ehlers-Danlos syndrome, type 4. Last evaluated: 2024-06-09. Review status: criteria provided, single submitter. Criteria: ACMG Guidelines, 2015. Collection method: clinical testing. Allele origin: germline. Inheritance: Autosomal dominant inheritance. Observed: 1 variant allele, 1 heterozygote.
Comment: This variant causes a T to C nucleotide substitution at the +6 position of intron 46 of the COL3A1 gene. Splice site prediction tools are inconclusive regarding the impact of this variant on RNA splicing. To our knowledge, RNA studies have not been reported for this variant. This variant has not been reported in individuals affected with COL3A1-related disorders in the literature. This variant has been identified in 2/251444 chromosomes in the general population by the Genome Aggregation Database (gnomAD). The available evidence is insufficient to determine the role of this variant in disease conclusively. Therefore, this variant is classified as a Variant of Uncertain Significance.

This study involves interpretation of variants in research participants for the purpose of population health screening. Participant phenotype was not available at the time of variant classification. Additional details can be found in publication PMID: 35346344, PMCID: PMC8962531

Literature cited by the submitters: PubMed 17576681 (cited by Labcorp Genetics (formerly Invitae), Labcorp); PubMed 9536098 (cited by Labcorp Genetics (formerly Invitae), Labcorp).